The following is an entry in ClinVar:

ClinVar aggregate classification (germline): Uncertain significance (1 of 4 stars; one submission).

Conditions:
Methylcobalamin deficiency type cblE (HMAE). Also called: VITAMIN B12-RESPONSIVE HOMOCYSTINURIA, cblE TYPE; HOMOCYSTINURIA-MEGALOBLASTIC ANEMIA, cblE COMPLEMENTATION TYPE; HOMOCYSTINURIA-MEGALOBLASTIC ANEMIA, cblE TYPE. Identifiers: Orphanet 2169, Orphanet 622, MedGen C1856057, MONDO:0009354, OMIM 236270.

Submission:

Labcorp Genetics (formerly Invitae), Labcorp
Classification: Uncertain significance for Methylcobalamin deficiency type cblE. Last evaluated: 2021-12-02. Review status: criteria provided, single submitter. Criteria: Invitae Variant Classification Sherloc (09022015). Collection method: clinical testing. Allele origin: germline.
Comment: This variant has not been reported in the literature in individuals affected with MTRR-related conditions. This variant is not present in population databases (gnomAD no frequency). This sequence change replaces methionine, which is neutral and non-polar, with leucine, which is neutral and non-polar, at codon 574 of the MTRR protein (p.Met574Leu). Algorithms developed to predict the effect of missense changes on protein structure and function (SIFT, PolyPhen-2, Align-GVGD) all suggest that this variant is likely to be tolerated. In summary, the available evidence is currently insufficient to determine the role of this variant in disease. Therefore, it has been classified as a Variant of Uncertain Significance.

NM_002454.3(MTRR):c.1720A>T (p.Met574Leu)

Gene: MTRR (5-methyltetrahydrofolate-homocysteine methyltransferase reductase; plus strand). Cytogenetic location: 5p15.31.
Variant type: single nucleotide variant.
Coding change: c.1720A>T on transcript NM_002454.3 (MANE Select); coding-DNA position 1720, A replaced by T.
Protein change: p.Met574Leu; replaces methionine 574 with leucine.
Molecular consequence: missense variant. On other transcripts: non-coding transcript variant (14).
Genome position (GRCh38, 1-based): chr5:7,896,907, A>T. VCF-style: chr5-7896907-A-T. GRCh37 (hg19) VCF-style: chr5-7897020-A-T.
Other names: c.1720A>T, p.Met574Leu (NM_001364440.2, NM_001364441.2, NM_001364442.2 and 1 more transcripts); short protein forms M574L.
Identifiers: ClinVar variation 1390005 (VCV001390005.6), dbSNP rs781416288, ClinGen allele CA359159533.